The following is an entry in ClinVar:

ClinVar aggregate classification (germline): Pathogenic/Likely pathogenic. Review status: criteria provided, multiple submitters, no conflicts (2 of 4 stars). 3 submissions from 3 submitters: Pathogenic (1); Likely pathogenic (1). 1 of the submissions does not count toward it. Last evaluated 2025-07-16.

Conditions:
Mucopolysaccharidosis type 6 (MPS6). Also called: N-ACETYLGALACTOSAMINE-4-SULFATASE DEFICIENCY; MPS VI; MPS 6; Maroteaux Lamy syndrome; ARSB DEFICIENCY; ARYLSULFATASE B DEFICIENCY. Identifiers: Orphanet 583, MedGen C0026709, MONDO:0009661, OMIM 253200.

Submissions (3):

Labcorp Genetics (formerly Invitae), Labcorp
Classification: Pathogenic for Mucopolysaccharidosis type 6. Last evaluated: 2025-07-16. Review status: criteria provided, single submitter. Criteria: Invitae Variant Classification Sherloc (09022015). Collection method: clinical testing. Allele origin: germline.
Comment: This sequence change replaces cysteine, which is neutral and slightly polar, with arginine, which is basic and polar, at codon 192 of the ARSB protein (p.Cys192Arg). This variant is not present in population databases (gnomAD no frequency). This missense change has been observed in individual(s) with mucopolysaccharidosis VI (PMID: 8116615, 17458871, 24107440). It has also been observed to segregate with disease in related individuals. ClinVar contains an entry for this variant (Variation ID: 559798). Invitae Evidence Modeling of protein sequence and biophysical properties (such as structural, functional, and spatial information, amino acid conservation, physicochemical variation, residue mobility, and thermodynamic stability) indicates that this missense variant is expected to disrupt ARSB protein function with a positive predictive value of 95%. Experimental studies have shown that this missense change affects ARSB function (PMID: 8116615). For these reasons, this variant has been classified as Pathogenic.

Laboratory of Diagnosis and Therapy of Lysosomal Disorders, University of Padova
Classification: Likely pathogenic for Mucopolysaccharidosis type 6. Last evaluated: 2018-01-01. Review status: criteria provided, single submitter. Criteria: ACMG Guidelines, 2015. Collection method: curation. Allele origin: germline. Affected: yes.
Comment: In vitro functional studies supportive of a damaging effect on the gene product (low to no ARSB activity in homozygotes; PS3); Absent from GnomAD (PM2)

Natera, Inc.
Classification: Pathogenic for Mucopolysaccharidosis type VI. Last evaluated: 2020-08-06. Review status: no assertion criteria provided. Collection method: clinical testing. Allele origin: germline. Not counted in ClinVar's aggregate classification.

Literature cited by the submitters: PubMed 8116615 (cited by Labcorp Genetics (formerly Invitae), Labcorp and Laboratory of Diagnosis and Therapy of Lysosomal Disorders, University of Padova); PubMed 17458871 (cited by Labcorp Genetics (formerly Invitae), Labcorp and Laboratory of Diagnosis and Therapy of Lysosomal Disorders, University of Padova); PubMed 24107440 (cited by Labcorp Genetics (formerly Invitae), Labcorp and Laboratory of Diagnosis and Therapy of Lysosomal Disorders, University of Padova); PubMed 24053568 (cited by Laboratory of Diagnosis and Therapy of Lysosomal Disorders, University of Padova); PubMed 22441840 (cited by Laboratory of Diagnosis and Therapy of Lysosomal Disorders, University of Padova); PubMed 10738004 (cited by Laboratory of Diagnosis and Therapy of Lysosomal Disorders, University of Padova); PubMed 28884960 (cited by Laboratory of Diagnosis and Therapy of Lysosomal Disorders, University of Padova); PubMed 11802522 (cited by Laboratory of Diagnosis and Therapy of Lysosomal Disorders, University of Padova); PubMed 30118150 (cited by Laboratory of Diagnosis and Therapy of Lysosomal Disorders, University of Padova).

NM_000046.5(ARSB):c.574T>C (p.Cys192Arg)

Gene: ARSB (arylsulfatase B; minus strand). Cytogenetic location: 5q14.1.
Variant type: single nucleotide variant.
Coding change: c.574T>C on transcript NM_000046.5 (MANE Select); coding-DNA position 574, T replaced by C.
Protein change: p.Cys192Arg; replaces cysteine 192 with arginine.
Molecular consequence: missense variant.
Genome position (GRCh38, 1-based): chr5:78,964,532, A>G on the plus strand (T>C on the coding strand, the complement: ARSB is on the minus strand). VCF-style: chr5-78964532-A-G. GRCh37 (hg19) VCF-style: chr5-78260355-A-G.
Other names: c.574T>C, p.Cys192Arg (NM_198709.3); short protein forms C192R.
Identifiers: ClinVar variation 559798 (VCV000559798.15), dbSNP rs1554087423, ClinGen allele CA360193323.
Genomic context (GRCh38, chr5:78,964,532, plus strand): 5'-TTGAATACATATTTTTATATCCTGTTGCAACTTCTTCGCCATCTCGAAAATCAAGAGCAC[A>G]TCGTGTGACATTCAGAGCGTCAATTAATGTACAGCGTTCATGGGAATAATAATCTTCACT-3'
Protein context (NP_000037.2, residues 182-202): TLIDALNVTR[Cys192Arg]ALDFRDGEEV